The following is an entry in ClinVar:

ClinVar aggregate classification (germline): Uncertain significance (1 of 4 stars; one submission).

Conditions:
Inborn genetic diseases. Identifiers: MedGen C0950123, MeSH D030342.

Submission:

Ambry Genetics
Classification: Uncertain significance for Inborn genetic diseases. Last evaluated: 2024-05-31. Review status: criteria provided, single submitter. Criteria: Ambry Variant Classification Scheme 2023. Collection method: clinical testing. Allele origin: germline.
Comment: The p.D643A variant (also known as c.1928A>C), located in coding exon 15 of the BUB1B gene, results from an A to C substitution at nucleotide position 1928. The aspartic acid at codon 643 is replaced by alanine, an amino acid with dissimilar properties. This amino acid position is conserved. In addition, this alteration is predicted to be tolerated by in silico analysis. Based on the available evidence, the clinical significance of this variant remains unclear.

NM_001211.6(BUB1B):c.1928A>C (p.Asp643Ala)

Gene: BUB1B (BUB1 mitotic checkpoint serine/threonine kinase B; plus strand). Cytogenetic location: 15q15.1.
Variant type: single nucleotide variant.
Coding change: c.1928A>C on transcript NM_001211.6 (MANE Select); coding-DNA position 1928, A replaced by C.
Protein change: p.Asp643Ala; replaces aspartic acid 643 with alanine.
Molecular consequence: missense variant.
Genome position (GRCh38, 1-based): chr15:40,206,377, A>C. VCF-style: chr15-40206377-A-C. GRCh37 (hg19) VCF-style: chr15-40498578-A-C.
Other names: short protein forms D643A.
Identifiers: ClinVar variation 3262271 (VCV003262271.1).